The following is an entry in ClinVar:

ClinVar aggregate classification (germline): Uncertain significance (1 of 4 stars; one submission).

Submission:

Ambry Genetics
Classification: Uncertain significance. Last evaluated: 2025-06-21. Review status: criteria provided, single submitter. Criteria: Ambry Variant Classification Scheme 2023. Collection method: clinical testing. Allele origin: germline.
Comment: The p.S309I variant (also known as c.926G>T), located in coding exon 9 of the FAM175A gene, results from a G to T substitution at nucleotide position 926. The serine at codon 309 is replaced by isoleucine, an amino acid with dissimilar properties. This amino acid position is conserved. In addition, this alteration is predicted to be tolerated by in silico analysis. Based on the available evidence, the clinical significance of this variant remains unclear.

NM_139076.3(ABRAXAS1):c.926G>T (p.Ser309Ile)

Gene: ABRAXAS1 (abraxas 1, BRCA1 A complex subunit; minus strand). Cytogenetic location: 4q21.23.
Variant type: single nucleotide variant.
Coding change: c.926G>T on transcript NM_139076.3 (MANE Select); coding-DNA position 926, G replaced by T.
Protein change: p.Ser309Ile; replaces serine 309 with isoleucine.
Molecular consequence: missense variant.
Genome position (GRCh38, 1-based): chr4:83,462,773, C>A on the plus strand (G>T on the coding strand, the complement: ABRAXAS1 is on the minus strand). VCF-style: chr4-83462773-C-A. GRCh37 (hg19) VCF-style: chr4-84383926-C-A.
Other names: c.599G>T, p.Ser200Ile (NM_001345962.2); short protein forms S200I, S309I.
Identifiers: ClinVar variation 4184530 (VCV004184530.1).